The following is an entry in ClinVar:

NM_001204526.2(SSR4):c.-26A>C

Gene: SSR4 (signal sequence receptor subunit 4; plus strand). Cytogenetic location: Xq28.
Variant type: single nucleotide variant.
Coding change: c.-26A>C on transcript NM_001204526.2; 26 bases upstream of the start codon, A replaced by C.
Molecular consequence: 5 prime UTR variant. On other transcripts: non-coding transcript variant (1), intron variant (3).
Genome position (GRCh38, 1-based): chrX:153,794,541, A>C. VCF-style: chrX-153794541-A-C. GRCh37 (hg19) VCF-style: chrX-153059996-A-C.
Other names: c.-15+119A>C (NM_001440796.1); c.68-133A>C (NM_001440795.1); c.11-133A>C (NM_001204527.2).
Identifiers: ClinVar variation 510069 (VCV000510069.3), dbSNP rs112969179, ClinGen allele CA10553178.

ClinVar aggregate classification (germline): Benign (1 of 4 stars; one submission).

Allele frequency attached by ClinVar (database versions not stated): ExAC 0.00170; gnomAD 0.00326 and 0.00299; TOPMed 0.00334; 1000 Genomes Project 30x 0.00291; 1000 Genomes Project 0.00265.
gnomAD v4.1: 588 of 1,168,137 alleles (0.05%); highest among the groups gnomAD compares: African/African-American, 0.99%; 6 homozygotes.

Submission:

GeneDx
Classification: Benign. Last evaluated: 2017-07-07. Review status: criteria provided, single submitter. Criteria: GeneDx Variant Classification (06012015). Collection method: clinical testing. Allele origin: germline. Affected: yes.
Comment: This variant is considered likely benign or benign based on one or more of the following criteria: it is a conservative change, it occurs at a poorly conserved position in the protein, it is predicted to be benign by multiple in silico algorithms, and/or has population frequency not consistent with disease.